The following is an entry in ClinVar:

NM_003632.3(CNTNAP1):c.2804G>A (p.Arg935His)

Gene: CNTNAP1 (contactin associated protein 1; plus strand). Cytogenetic location: 17q21.2.
Variant type: single nucleotide variant.
Coding change: c.2804G>A on transcript NM_003632.3 (MANE Select); coding-DNA position 2804, G replaced by A.
Protein change: p.Arg935His; replaces arginine 935 with histidine.
Molecular consequence: missense variant.
Genome position (GRCh38, 1-based): chr17:42,693,348, G>A. VCF-style: chr17-42693348-G-A. GRCh37 (hg19) VCF-style: chr17-40845366-G-A.
Other names: c.2804G>A (NM_003632.2); short protein forms R935H.
Identifiers: ClinVar variation 2219852 (VCV002219852.7), dbSNP rs140099235, ClinGen allele CA8582161.

ClinVar aggregate classification (germline): Uncertain significance. Review status: criteria provided, multiple submitters, no conflicts (2 of 4 stars). 2 submissions from 2 submitters: Uncertain significance (2). Last evaluated 2025-04-03.

Conditions:
Inborn genetic diseases. Identifiers: MedGen C0950123, MeSH D030342.

Allele frequency attached by ClinVar (database versions not stated): 1000 Genomes Project 30x 0.00031; gnomAD exomes 0.00003; ExAC 0.00012; gnomAD 0.00019; TOPMed 0.00017; 1000 Genomes Project 0.00020; ESP Exome Variant Server 0.00038.
gnomAD v4.1: 81 of 1,614,184 alleles (0.005%); highest among the groups gnomAD compares: African/African-American, 0.068%; no homozygotes.

Submissions (2):

Ambry Genetics
Classification: Uncertain significance for Inborn genetic diseases. Last evaluated: 2025-04-03. Review status: criteria provided, single submitter. Criteria: Ambry Variant Classification Scheme 2023. Collection method: clinical testing. Allele origin: germline.

Labcorp Genetics (formerly Invitae), Labcorp
Classification: Uncertain significance. Last evaluated: 2022-05-10. Review status: criteria provided, single submitter. Criteria: Invitae Variant Classification Sherloc (09022015). Collection method: clinical testing. Allele origin: germline.
Comment: This sequence change replaces arginine, which is basic and polar, with histidine, which is basic and polar, at codon 935 of the CNTNAP1 protein (p.Arg935His). This variant is present in population databases (rs140099235, gnomAD 0.05%). This variant has not been reported in the literature in individuals affected with CNTNAP1-related conditions. Algorithms developed to predict the effect of missense changes on protein structure and function are either unavailable or do not agree on the potential impact of this missense change (SIFT: "Deleterious"; PolyPhen-2: "Benign"; Align-GVGD: "Class C25"). In summary, the available evidence is currently insufficient to determine the role of this variant in disease. Therefore, it has been classified as a Variant of Uncertain Significance.